The following is an entry in ClinVar:

ClinVar aggregate classification (germline): Uncertain significance (1 of 4 stars; one submission).

Conditions:
Hypertrophic cardiomyopathy 19. Also called: Familial hypertrophic cardiomyopathy 19. Identifiers: MedGen CN077603, MONDO:0013476.

gnomAD v4.1: 1 of 1,612,886 alleles (0.000062%); no homozygotes.

Submission:

Labcorp Genetics (formerly Invitae), Labcorp
Classification: Uncertain significance for Hypertrophic cardiomyopathy 19. Last evaluated: 2024-04-11. Review status: criteria provided, single submitter. Criteria: Invitae Variant Classification Sherloc (09022015). Collection method: clinical testing. Allele origin: germline.
Comment: This sequence change replaces aspartic acid, which is acidic and polar, with histidine, which is basic and polar, at codon 63 of the CALR3 protein (p.Asp63His). This variant is not present in population databases (gnomAD no frequency). This variant has not been reported in the literature in individuals affected with CALR3-related conditions. Advanced modeling of protein sequence and biophysical properties (such as structural, functional, and spatial information, amino acid conservation, physicochemical variation, residue mobility, and thermodynamic stability) has been performed at Invitae for this missense variant, however the output from this modeling did not meet the statistical confidence thresholds required to predict the impact of this variant on CALR3 protein function. In summary, the available evidence is currently insufficient to determine the role of this variant in disease. Therefore, it has been classified as a Variant of Uncertain Significance.

NM_145046.5(CALR3):c.187G>C (p.Asp63His)

Gene: CALR3 (calreticulin 3; minus strand). Cytogenetic location: 19p13.11.
Variant type: single nucleotide variant.
Coding change: c.187G>C on transcript NM_145046.5 (MANE Select); coding-DNA position 187, G replaced by C.
Protein change: p.Asp63His; replaces aspartic acid 63 with histidine.
Molecular consequence: missense variant.
Genome position (GRCh38, 1-based): chr19:16,495,757, C>G on the plus strand (G>C on the coding strand, the complement: CALR3 is on the minus strand). VCF-style: chr19-16495757-C-G. GRCh37 (hg19) VCF-style: chr19-16606568-C-G.
Other names: short protein forms D63H.
Identifiers: ClinVar variation 3698759 (VCV003698759.2).